The following is an entry in ClinVar:

ClinVar aggregate classification (germline): Conflicting classifications of pathogenicity. Review status: criteria provided, conflicting classifications (1 of 4 stars). 4 submissions from 4 submitters: Uncertain significance (3); Likely benign (1). Last evaluated 2025-03-06.

Conditions:
Hereditary cancer-predisposing syndrome. Also called: Neoplastic Syndromes, Hereditary; Tumor predisposition; Hereditary Cancer Syndrome; Hereditary neoplastic syndrome. Identifiers: Orphanet 140162, MedGen C0027672, MeSH D009386, MONDO:0015356.
Hereditary breast ovarian cancer syndrome. Also called: Hereditary breast and ovarian cancer syndrome; Hereditary breast and/or ovarian cancer syndrome; Hereditary breast and ovarian cancer syndrome (HBOC); Breast and ovarian cancer; BRCA1- and BRCA2-Associated Hereditary Breast and Ovarian Cancer; Hereditary breast and ovarian cancer. Identifiers: Orphanet 145, MedGen C0677776, MeSH D061325, MONDO:0003582. Disease mechanism: loss of function.

Submissions (4):

Ambry Genetics
Classification: Uncertain significance for Hereditary cancer-predisposing syndrome. Last evaluated: 2025-03-06. Review status: criteria provided, single submitter. Criteria: Ambry Variant Classification Scheme 2023. Collection method: clinical testing. Allele origin: germline.
Comment: The p.D2218V variant (also known as c.6653A>T), located in coding exon 10 of the BRCA2 gene, results from an A to T substitution at nucleotide position 6653. The aspartic acid at codon 2218 is replaced by valine, an amino acid with highly dissimilar properties. This amino acid position is not well conserved in available vertebrate species. In addition, the in silico prediction for this alteration is inconclusive. Since supporting evidence is limited at this time, the clinical significance of this alteration remains unclear.

Labcorp Genetics (formerly Invitae), Labcorp
Classification: Uncertain significance for Hereditary breast ovarian cancer syndrome. Last evaluated: 2025-02-04. Review status: criteria provided, single submitter. Criteria: Invitae Variant Classification Sherloc (09022015). Collection method: clinical testing. Allele origin: germline.
Comment: This sequence change replaces aspartic acid, which is acidic and polar, with valine, which is neutral and non-polar, at codon 2218 of the BRCA2 protein (p.Asp2218Val). This variant is not present in population databases (gnomAD no frequency). This variant has not been reported in the literature in individuals affected with BRCA2-related conditions. ClinVar contains an entry for this variant (Variation ID: 999974). Invitae Evidence Modeling of protein sequence and biophysical properties (such as structural, functional, and spatial information, amino acid conservation, physicochemical variation, residue mobility, and thermodynamic stability) indicates that this missense variant is not expected to disrupt BRCA2 protein function with a negative predictive value of 95%. In summary, the available evidence is currently insufficient to determine the role of this variant in disease. Therefore, it has been classified as a Variant of Uncertain Significance.

University of Washington Department of Laboratory Medicine, University of Washington
Classification: Likely benign for Hereditary cancer-predisposing syndrome. Last evaluated: 2023-03-23. Review status: criteria provided, single submitter. Criteria: Dines et al. (Genet Med. 2020). Collection method: curation. Allele origin: germline.
Comment: Missense variant in a coldspot region where missense variants are very unlikely to be pathogenic (PMID:31911673).

BRCA2 exon 11 coldspot. Reclassification based on statistical prior probability.

GeneDx
Classification: Uncertain significance. Last evaluated: 2019-12-24. Review status: criteria provided, single submitter. Criteria: GeneDx Variant Classification Process June 2021. Collection method: clinical testing. Allele origin: germline. Affected: yes.
Comment: Not observed in large population cohorts (Lek 2016); Has not been previously published as pathogenic or benign to our knowledge; In silico analysis, which includes protein predictors and evolutionary conservation, supports that this variant does not alter protein structure/function; Also known as 6881A>T

NM_000059.4(BRCA2):c.6653A>T (p.Asp2218Val)

Gene: BRCA2 (BRCA2 DNA repair associated; plus strand). Cytogenetic location: 13q13.1.
Variant type: single nucleotide variant.
Coding change: c.6653A>T on transcript NM_000059.4 (MANE Select); coding-DNA position 6653, A replaced by T.
Protein change: p.Asp2218Val; replaces aspartic acid 2218 with valine.
Molecular consequence: missense variant.
Genome position (GRCh38, 1-based): chr13:32,341,008, A>T. VCF-style: chr13-32341008-A-T. GRCh37 (hg19) VCF-style: chr13-32915145-A-T.
Other names: short protein forms D2218V.
Identifiers: ClinVar variation 999974 (VCV000999974.15), dbSNP rs2072561785, ClinGen allele CA387790411.